The following is an entry in ClinVar:

ClinVar aggregate classification (germline): Uncertain significance (1 of 4 stars; one submission).

Submission:

Labcorp Genetics (formerly Invitae), Labcorp
Classification: Uncertain significance. Last evaluated: 2024-10-16. Review status: criteria provided, single submitter. Criteria: Invitae Variant Classification Sherloc (09022015). Collection method: clinical testing. Allele origin: germline.
Comment: This sequence change replaces glutamic acid, which is acidic and polar, with glycine, which is neutral and non-polar, at codon 620 of the ERBB2 protein (p.Glu620Gly). This variant is not present in population databases (gnomAD no frequency). This variant has not been reported in the literature in individuals affected with ERBB2-related conditions. Invitae Evidence Modeling of protein sequence and biophysical properties (such as structural, functional, and spatial information, amino acid conservation, physicochemical variation, residue mobility, and thermodynamic stability) indicates that this missense variant is not expected to disrupt ERBB2 protein function with a negative predictive value of 80%. In summary, the available evidence is currently insufficient to determine the role of this variant in disease. Therefore, it has been classified as a Variant of Uncertain Significance.

NM_004448.4(ERBB2):c.1859A>G (p.Glu620Gly)

Gene: ERBB2 (erb-b2 receptor tyrosine kinase 2; plus strand). Cytogenetic location: 17q12.
Variant type: single nucleotide variant.
Coding change: c.1859A>G on transcript NM_004448.4 (MANE Select); coding-DNA position 1859, A replaced by G.
Protein change: p.Glu620Gly; replaces glutamic acid 620 with glycine.
Molecular consequence: missense variant. On other transcripts: non-coding transcript variant (1), intron variant (1).
Genome position (GRCh38, 1-based): chr17:39,717,441, A>G. VCF-style: chr17-39717441-A-G. GRCh37 (hg19) VCF-style: chr17-37873694-A-G.
Other names: c.1769A>G, p.Glu590Gly (NM_001005862.3, NM_001289938.2, NM_001382782.1 and 1 more transcripts); c.1814A>G, p.Glu605Gly (NM_001289936.2); c.1859A>G, p.Glu620Gly (NM_001289937.2, NM_001382792.1, NM_001382793.1 and 9 more transcripts); c.1976A>G, p.Glu659Gly (NM_001382784.1, NM_001382786.1); c.1961A>G, p.Glu654Gly (NM_001382785.1); c.1934A>G, p.Glu645Gly (NM_001382787.1); c.1889A>G, p.Glu630Gly (NM_001382788.1); c.1880A>G, p.Glu627Gly (NM_001382789.1); and 6 more; short protein forms E627G, E590G, E605G, E344G, E534G, E617G, E619G, E630G.
Identifiers: ClinVar variation 3718888 (VCV003718888.2).
Genomic context (GRCh38, chr17:39,717,441, plus strand): 5'-GCCCCAGCGGTGTGAAACCTGACCTCTCCTACATGCCCATCTGGAAGTTTCCAGATGAGG[A>G]GGGCGCATGCCAGCCTTGCCCCATCAACTGCACCCACTCGTGAGTCCAACGGTCTTTTCT-3'
Protein context (NP_004439.2, residues 610-630): YMPIWKFPDE[Glu620Gly]GACQPCPINC